The following is an entry in ClinVar:

NM_000222.3(KIT):c.2219G>T (p.Arg740Ile)

Gene: KIT (KIT proto-oncogene, receptor tyrosine kinase; plus strand). Cytogenetic location: 4q12.
Variant type: single nucleotide variant.
Coding change: c.2219G>T on transcript NM_000222.3 (MANE Select); coding-DNA position 2219, G replaced by T.
Protein change: p.Arg740Ile; replaces arginine 740 with isoleucine.
Molecular consequence: missense variant.
Genome position (GRCh38, 1-based): chr4:54,731,405, G>T. VCF-style: chr4-54731405-G-T. GRCh37 (hg19) VCF-style: chr4-55597571-G-T.
Other names: c.2207G>T, p.Arg736Ile (NM_001093772.2, NM_001385292.1); c.2222G>T, p.Arg741Ile (NM_001385284.1); c.2216G>T, p.Arg739Ile (NM_001385285.1); c.2204G>T, p.Arg735Ile (NM_001385286.1); c.2210G>T, p.Arg737Ile (NM_001385288.1); c.2219G>T, p.Arg740Ile (NM_001385290.1); short protein forms R737I, R739I, R740I, R735I, R741I, R736I.
Identifiers: ClinVar variation 4729676 (VCV004729676.1).

ClinVar aggregate classification (germline): Uncertain significance (1 of 4 stars; one submission).

Conditions:
Gastrointestinal stromal tumor. Also called: Gastrointestinal stromal tumor, somatic; Gastrointestinal stroma tumor. Identifiers: Orphanet 44890, MedGen C0238198, MeSH D046152, MONDO:0011719, OMIM 606764, HP:0100723.

Submission:

Labcorp Genetics (formerly Invitae), Labcorp
Classification: Uncertain significance for Gastrointestinal stromal tumor. Last evaluated: 2025-10-22. Review status: criteria provided, single submitter. Criteria: Invitae Variant Classification Sherloc (09022015). Collection method: clinical testing. Allele origin: germline.
Comment: This sequence change replaces arginine, which is basic and polar, with isoleucine, which is neutral and non-polar, at codon 740 of the KIT protein (p.Arg740Ile). This variant is not present in population databases (gnomAD no frequency). This variant has not been reported in the literature in individuals affected with KIT-related conditions. An algorithm developed to predict the effect of missense changes on protein structure and function (PolyPhen-2) suggests that this variant is likely to be disruptive. In summary, the available evidence is currently insufficient to determine the role of this variant in disease. Therefore, it has been classified as a Variant of Uncertain Significance.